The following is an entry in ClinVar:

ClinVar aggregate classification (germline): Pathogenic (1 of 4 stars; one submission).

Conditions:
Marfan syndrome (MFS). Also called: MARFAN SYNDROME, TYPE I; FBN1-Related Marfan Syndrome; Marfan syndrome type 1; Marfan's syndrome; Marfan syndrome, classic. Identifiers: Orphanet 284963, Orphanet 558, MedGen C0024796, MONDO:0007947, OMIM 154700.
Familial thoracic aortic aneurysm and aortic dissection (TAAD). Also called: Thoracic aortic aneurysms and dissections. Identifiers: Orphanet 91387, MedGen C4707243, MONDO:0019625.

Submission:

Labcorp Genetics (formerly Invitae), Labcorp
Classification: Pathogenic for Marfan syndrome; Familial thoracic aortic aneurysm and aortic dissection. Last evaluated: 2023-11-10. Review status: criteria provided, single submitter. Criteria: Invitae Variant Classification Sherloc (09022015). Collection method: clinical testing. Allele origin: germline.
Comment: This variant is a gross deletion of the genomic region encompassing exon(s) 14-17 of the FBN1 gene. This variant would be expected to be in-frame, preserving the integrity of the reading frame. This variant has not been reported in the literature in individuals affected with FBN1-related conditions. This variant affects a cysteine residue in the EGF-like, TGFBP or hybrid motif domains of FBN1. Cysteine residues are believed to be involved in intramolecular disulfide bridges and have been shown to be important for FBN1 protein structure (PMID: 16905551, 19349279). In addition, missense substitutions affecting cysteine residues within these domains are significantly overrepresented among patients with Marfan syndrome (PMID: 16571647, 17701892). For these reasons, this variant has been classified as Pathogenic.

Literature cited by the submitters: PubMed 16905551; PubMed 19349279; PubMed 16571647; PubMed 17701892.

NC_000015.10:g.(?_48503767)_(48510189_?)del

Genes: FBN1 (fibrillin 1; minus strand), LOC125078076 (Sharpr-MPRA regulatory region 3576; plus strand). Cytogenetic location: 15q21.1.
Variant type: Deletion.
Identifiers: ClinVar variation 457154 (VCV000457154.8).